The following is an entry in ClinVar:

ClinVar aggregate classification (germline): Uncertain significance (1 of 4 stars; one submission).

Conditions:
Primary ciliary dyskinesia. Also called: Ciliary dyskinesia. Identifiers: Orphanet 244, MedGen C0008780, MONDO:0016575, HP:0012265.

Allele frequency attached by ClinVar (database versions not stated): gnomAD exomes below 0.00001 and 0.00001; ExAC 0.00002.
gnomAD v4.1: 2 of 1,609,028 alleles (0.00012%); highest among the groups gnomAD compares: Non-Finnish European, 0.00017%; no homozygotes.

Submission:

Labcorp Genetics (formerly Invitae), Labcorp
Classification: Uncertain significance for Primary ciliary dyskinesia. Last evaluated: 2021-07-27. Review status: criteria provided, single submitter. Criteria: Invitae Variant Classification Sherloc (09022015). Collection method: clinical testing. Allele origin: germline.
Comment: Advanced modeling of protein sequence and biophysical properties (such as structural, functional, and spatial information, amino acid conservation, physicochemical variation, residue mobility, and thermodynamic stability) performed at Invitae indicates that this missense variant is not expected to disrupt DNAH11 protein function. This variant has not been reported in the literature in individuals affected with DNAH11-related conditions. This variant is present in population databases (rs750255266, ExAC 0.004%). This sequence change replaces glutamine with glutamic acid at codon 275 of the DNAH11 protein (p.Gln275Glu). The glutamine residue is weakly conserved and there is a small physicochemical difference between glutamine and glutamic acid. In summary, the available evidence is currently insufficient to determine the role of this variant in disease. Therefore, it has been classified as a Variant of Uncertain Significance.

NM_001277115.2(DNAH11):c.823C>G (p.Gln275Glu)

Gene: DNAH11 (dynein axonemal heavy chain 11; plus strand). Cytogenetic location: 7p15.3.
Variant type: single nucleotide variant.
Coding change: c.823C>G on transcript NM_001277115.2 (MANE Select); coding-DNA position 823, C replaced by G.
Protein change: p.Gln275Glu; replaces glutamine 275 with glutamic acid.
Molecular consequence: missense variant.
Genome position (GRCh38, 1-based): chr7:21,559,733, C>G. VCF-style: chr7-21559733-C-G. GRCh37 (hg19) VCF-style: chr7-21599351-C-G.
Other names: short protein forms Q275E.
Identifiers: ClinVar variation 1440432 (VCV001440432.8), dbSNP rs750255266, ClinGen allele CA4178788.